The following is an entry in ClinVar:

ClinVar aggregate classification (germline): Uncertain significance (1 of 4 stars; one submission).

gnomAD v4.1: 22 of 1,614,000 alleles (0.0014%); highest among the groups gnomAD compares: East Asian, 0.0022%; no homozygotes.

Submission:

GeneDx
Classification: Uncertain significance. Last evaluated: 2025-01-25. Review status: criteria provided, single submitter. Criteria: GeneDx Variant Classification Process June 2021. Collection method: clinical testing. Allele origin: germline. Affected: yes.
Comment: Not observed at significant frequency in large population cohorts (gnomAD); In silico analysis indicates that this missense variant does not alter protein structure/function; Has not been previously published as pathogenic or benign to our knowledge

NM_001256545.2(MEGF10):c.3350G>A (p.Arg1117Gln)

Gene: MEGF10 (multiple EGF like domains 10; plus strand). Cytogenetic location: 5q23.2.
Variant type: single nucleotide variant.
Coding change: c.3350G>A on transcript NM_001256545.2 (MANE Select); coding-DNA position 3350, G replaced by A.
Protein change: p.Arg1117Gln; replaces arginine 1117 with glutamine.
Molecular consequence: missense variant.
Genome position (GRCh38, 1-based): chr5:127,457,245, G>A. VCF-style: chr5-127457245-G-A. GRCh37 (hg19) VCF-style: chr5-126792937-G-A.
Other names: c.3350G>A, p.Arg1117Gln (NM_032446.3); short protein forms R1117Q.
Identifiers: ClinVar variation 4071761 (VCV004071761.1).